The following is an entry in ClinVar:

ClinVar aggregate classification (germline): Uncertain significance (1 of 4 stars; one submission).

gnomAD v4.1: 2 of 1,613,706 alleles (0.00012%); highest among the groups gnomAD compares: Non-Finnish European, 0.000085%; no homozygotes.

Submission:

GeneDx
Classification: Uncertain significance. Last evaluated: 2024-07-25. Review status: criteria provided, single submitter. Criteria: GeneDx Variant Classification Process June 2021. Collection method: clinical testing. Allele origin: germline. Affected: yes.
Comment: Not observed at significant frequency in large population cohorts (gnomAD); In silico analysis indicates that this missense variant does not alter protein structure/function; Has not been previously published as pathogenic or benign to our knowledge

NM_021614.4(KCNN2):c.1711A>G (p.Ile571Val)

Genes: KCNN2 (potassium calcium-activated channel subfamily N member 2; plus strand), LOC101927078 (uncharacterized LOC101927078; minus strand). Cytogenetic location: 5q22.3.
Variant type: single nucleotide variant.
Coding change: c.1711A>G on transcript NM_021614.4 (MANE Select); coding-DNA position 1711, A replaced by G.
Protein change: p.Ile571Val; replaces isoleucine 571 with valine.
Molecular consequence: missense variant. On other transcripts: non-coding transcript variant (2).
Genome position (GRCh38, 1-based): chr5:114,463,122, A>G. VCF-style: chr5-114463122-A-G. GRCh37 (hg19) VCF-style: chr5-113798819-A-G.
Other names: c.1909A>G, p.Ile637Val (NM_001372233.1); c.31A>G, p.Ile11Val (NM_170775.3); short protein forms I11V, I571V, I637V.
Identifiers: ClinVar variation 3600582 (VCV003600582.1).